The following is an entry in ClinVar:

ClinVar aggregate classification (germline): Uncertain significance (1 of 4 stars; one submission).

Conditions:
3-methylglutaconic aciduria type 5. Also called: MGA, TYPE V; CARDIOMYOPATHY, DILATED, WITH ATAXIA; 3 alpha methylglutaconic aciduria type V; MGA 5. Identifiers: Orphanet 66634, MedGen C1857776, MONDO:0012435, OMIM 610198.

Submission:

Labcorp Genetics (formerly Invitae), Labcorp
Classification: Uncertain significance for 3-methylglutaconic aciduria type 5. Last evaluated: 2021-06-11. Review status: criteria provided, single submitter. Criteria: Invitae Variant Classification Sherloc (09022015). Collection method: clinical testing. Allele origin: germline.
Comment: In summary, the available evidence is currently insufficient to determine the role of this variant in disease. Therefore, it has been classified as a Variant of Uncertain Significance. Algorithms developed to predict the effect of missense changes on protein structure and function are either unavailable or do not agree on the potential impact of this missense change (SIFT: "Tolerated"; PolyPhen-2: "Possibly Damaging"; Align-GVGD: "Class C0"). This variant has not been reported in the literature in individuals with DNAJC19-related conditions. This variant is not present in population databases (ExAC no frequency). This sequence change replaces leucine with valine at codon 109 of the DNAJC19 protein (p.Leu109Val). The leucine residue is highly conserved and there is a small physicochemical difference between leucine and valine.

NM_145261.4(DNAJC19):c.325T>G (p.Leu109Val)

Gene: DNAJC19 (DnaJ heat shock protein family (Hsp40) member C19; minus strand). Cytogenetic location: 3q26.33.
Variant type: single nucleotide variant.
Coding change: c.325T>G on transcript NM_145261.4 (MANE Select); coding-DNA position 325, T replaced by G.
Protein change: p.Leu109Val; replaces leucine 109 with valine.
Molecular consequence: missense variant. On other transcripts: non-coding transcript variant (4).
Genome position (GRCh38, 1-based): chr3:180,984,666, A>C on the plus strand (T>G on the coding strand, the complement: DNAJC19 is on the minus strand). VCF-style: chr3-180984666-A-C. GRCh37 (hg19) VCF-style: chr3-180702454-A-C.
Other names: c.250T>G, p.Leu84Val (NM_001190233.2); short protein forms L109V, L84V.
Identifiers: ClinVar variation 1360309 (VCV001360309.6), dbSNP rs2108506959, ClinGen allele CA355472097.